The following is an entry in ClinVar:

ClinVar aggregate classification (germline): Uncertain significance (1 of 4 stars; one submission).

Conditions:
Ehlers-Danlos syndrome, classic type, 1 (EDSCL1). Also called: EHLERS-DANLOS SYNDROME, GRAVIS TYPE; EHLERS-DANLOS SYNDROME, SEVERE CLASSIC TYPE; Ehlers-Danlos syndrome, type 1; EDS I; Ehlers-Danlos Syndrome, Classic Type, COL5A1-Related. Identifiers: MedGen C0268335, MONDO:0019567, OMIM 130000.

Allele frequency attached by ClinVar (database versions not stated): gnomAD exomes 0.00001 and below 0.00001; TOPMed 0.00001; ESP Exome Variant Server 0.00008.
gnomAD v4.1: 3 of 1,614,030 alleles (0.00019%); highest among the groups gnomAD compares: Non-Finnish European, 0.00025%; no homozygotes.

Submission:

Labcorp Genetics (formerly Invitae), Labcorp
Classification: Uncertain significance for Ehlers-Danlos syndrome, classic type, 1. Last evaluated: 2022-01-13. Review status: criteria provided, single submitter. Criteria: Invitae Variant Classification Sherloc (09022015). Collection method: clinical testing. Allele origin: germline.
Comment: In summary, the available evidence is currently insufficient to determine the role of this variant in disease. Therefore, it has been classified as a Variant of Uncertain Significance. Advanced modeling of protein sequence and biophysical properties (such as structural, functional, and spatial information, amino acid conservation, physicochemical variation, residue mobility, and thermodynamic stability) performed at Invitae indicates that this missense variant is not expected to disrupt COL5A2 protein function. This variant has not been reported in the literature in individuals affected with COL5A2-related conditions. This variant is present in population databases (rs138900123, gnomAD 0.0009%). This sequence change replaces histidine, which is basic and polar, with arginine, which is basic and polar, at codon 1303 of the COL5A2 protein (p.His1303Arg).

NM_000393.5(COL5A2):c.3908A>G (p.His1303Arg)

Gene: COL5A2 (collagen type V alpha 2 chain; minus strand). Cytogenetic location: 2q32.2.
Variant type: single nucleotide variant.
Coding change: c.3908A>G on transcript NM_000393.5 (MANE Select); coding-DNA position 3908, A replaced by G.
Protein change: p.His1303Arg; replaces histidine 1303 with arginine.
Molecular consequence: missense variant.
Genome position (GRCh38, 1-based): chr2:189,039,289, T>C on the plus strand (A>G on the coding strand, the complement: COL5A2 is on the minus strand). VCF-style: chr2-189039289-T-C. GRCh37 (hg19) VCF-style: chr2-189904015-T-C.
Other names: short protein forms H1303R.
Identifiers: ClinVar variation 1373728 (VCV001373728.6), dbSNP rs138900123, ClinGen allele CA62584954.